The following is an entry in ClinVar:

NC_000013.10:g.(?_103275207)_(103279536_?)del

Gene: TPP2 (tripeptidyl peptidase 2; plus strand). Cytogenetic location: 13q33.1.
Variant type: Deletion.
Identifiers: ClinVar variation 1455713 (VCV001455713.6).

ClinVar aggregate classification (germline): Pathogenic (1 of 4 stars; one submission).

Conditions:
Evans syndrome, immunodeficiency, and premature immunosenescence associated with tripeptidyl-peptidase II deficiency. Identifiers: MedGen CN231723. Disease mechanism: loss of function.

Submission:

Labcorp Genetics (formerly Invitae), Labcorp
Classification: Pathogenic for Evans syndrome, immunodeficiency, and premature immunosenescence associated with tripeptidyl-peptidase II deficiency. Last evaluated: 2021-03-29. Review status: criteria provided, single submitter. Criteria: Invitae Variant Classification Sherloc (09022015). Collection method: clinical testing. Allele origin: germline.
Comment: This variant has not been reported in the literature in individuals with TPP2-related conditions. For these reasons, this variant has been classified as Pathogenic. This variant is a gross deletion of the genomic region encompassing exon(s) 6-7 of the TPP2 gene. This deletion is out-of-frame, and is expected to create a premature translational stop signal and result in an absent or disrupted protein product. Loss-of-function variants in TPP2 are known to be pathogenic (PMID: 25414442).

Literature cited by the submitters: PubMed 25414442.